The following is an entry in ClinVar:

NC_000007.13:g.(?_117254648)_(117254777_?)del

Gene: CFTR (CF transmembrane conductance regulator; plus strand). Cytogenetic location: 7q31.2.
Variant type: Deletion.
Identifiers: ClinVar variation 1459174 (VCV001459174.5).

ClinVar aggregate classification (germline): Pathogenic (1 of 4 stars; one submission).

Conditions:
Cystic fibrosis (CF). Also called: MUCOVISCIDOSIS. Identifiers: Orphanet 586, MedGen C0010674, MONDO:0009061, OMIM 219700. Disease mechanism: loss of function.

Submission:

Labcorp Genetics (formerly Invitae), Labcorp
Classification: Pathogenic for Cystic fibrosis. Last evaluated: 2022-01-02. Review status: criteria provided, single submitter. Criteria: Invitae Variant Classification Sherloc (09022015). Collection method: clinical testing. Allele origin: germline.
Comment: For these reasons, this variant has been classified as Pathogenic. This variant has not been reported in the literature in individuals affected with CFTR-related conditions. This variant is a gross deletion of the genomic region encompassing exon(s) 21 of the CFTR gene. This deletion is out-of-frame, and is expected to create a premature termination codon and result in an absent or disrupted protein product. Loss-of-function variants in CFTR are known to be pathogenic (PMID: 1695717, 7691345, 9725922).

Literature cited by the submitters: PubMed 1695717; PubMed 7691345; PubMed 9725922.